The following is an entry in ClinVar:

NM_007294.4(BRCA1):c.2932dup (p.Tyr978fs)

Gene: BRCA1 (BRCA1 DNA repair associated; minus strand). Cytogenetic location: 17q21.31.
Variant type: Duplication.
Coding change: c.2932dup on transcript NM_007294.4 (MANE Select); coding-DNA position 2932, one base duplicated (T; older notation c.2932dupT).
Protein change: p.Tyr978fs; shifts the reading frame from tyrosine 978.
Molecular consequence: frameshift variant. On other transcripts: intron variant (137).
Genome position (GRCh38, 1-based): chr17:43,092,599, A duplicated on the plus strand (T on the coding strand, the reverse complement: BRCA1 is on the minus strand). VCF-style (leftmost placement, unchanged base first): chr17-43092598-T-TA. GRCh37 (hg19) VCF-style: chr17-41244615-T-TA.
Other names: c.578-1567dup (NM_001408479.1, NM_001408481.1, NM_001408480.1 and 9 more transcripts); c.662-1567dup (NM_001408445.1, NM_001408432.1, NM_001408446.1 and 6 more transcripts); c.668-1567dup (NM_001408431.1, NM_001408424.1, NM_001408421.1); c.785-1567dup (NM_001408407.1, NM_001408402.1, NM_001408473.1 and 13 more transcripts); c.665-1567dup (NM_001408443.1, NM_001408439.1, NM_001408425.1 and 12 more transcripts); c.671-1567dup (NM_001408419.1, NM_001408423.1, NM_001408420.1 and 2 more transcripts); c.788-1567dup (NM_001407983.1, NM_001407975.1, NM_001408403.1 and 17 more transcripts); c.644-1567dup (NM_001408465.1, NM_001408470.1, NM_001408464.1 and 3 more transcripts); and 42 more; short protein forms Y682fs, Y810fs, Y850fs, Y910fs, Y931fs, Y951fs, Y851fs, Y867fs.
Identifiers: ClinVar variation 3825297 (VCV003825297.1).

ClinVar aggregate classification (germline): Pathogenic (1 of 4 stars; one submission).

Conditions:
Hereditary cancer-predisposing syndrome. Also called: Hereditary neoplastic syndrome; Neoplastic Syndromes, Hereditary; Tumor predisposition; Hereditary Cancer Syndrome. Identifiers: Orphanet 140162, MedGen C0027672, MeSH D009386, MONDO:0015356.

Submission:

Ambry Genetics
Classification: Pathogenic for Hereditary cancer-predisposing syndrome. Last evaluated: 2025-01-23. Review status: criteria provided, single submitter. Criteria: Ambry Variant Classification Scheme 2023. Collection method: clinical testing. Allele origin: germline.
Comment: The c.2932dupT pathogenic mutation, located in coding exon 9 of the BRCA1 gene, results from a duplication of T at nucleotide position 2932, causing a translational frameshift with a predicted alternate stop codon (p.Y978Lfs*14). This variant is considered to be rare based on population cohorts in the Genome Aggregation Database (gnomAD). This alteration is expected to result in loss of function by premature protein truncation or nonsense-mediated mRNA decay. As such, this alteration is interpreted as a disease-causing mutation.